The following is an entry in ClinVar:

ClinVar aggregate classification (germline): Uncertain significance (1 of 4 stars; one submission).

Allele frequency attached by ClinVar (database versions not stated): gnomAD 0.00001; TOPMed 0.00002.
gnomAD v4.1: 2 of 1,551,530 alleles (0.00013%); highest among the groups gnomAD compares: Admixed American, 0.002%; no homozygotes.

Submission:

Labcorp Genetics (formerly Invitae), Labcorp
Classification: Uncertain significance. Last evaluated: 2022-05-19. Review status: criteria provided, single submitter. Criteria: Invitae Variant Classification Sherloc (09022015). Collection method: clinical testing. Allele origin: germline.
Comment: This sequence change replaces serine, which is neutral and polar, with asparagine, which is neutral and polar, at codon 2791 of the UNC80 protein (p.Ser2791Asn). This variant is not present in population databases (gnomAD no frequency). This variant has not been reported in the literature in individuals affected with UNC80-related conditions. Algorithms developed to predict the effect of missense changes on protein structure and function are either unavailable or do not agree on the potential impact of this missense change (SIFT: "Not Available"; PolyPhen-2: "Possibly Damaging"; Align-GVGD: "Not Available"). In summary, the available evidence is currently insufficient to determine the role of this variant in disease. Therefore, it has been classified as a Variant of Uncertain Significance.

NM_001371986.1(UNC80):c.8570G>A (p.Ser2857Asn)

Gene: UNC80 (unc-80 homolog, NALCN channel complex subunit; plus strand). Cytogenetic location: 2q34.
Variant type: single nucleotide variant.
Coding change: c.8570G>A on transcript NM_001371986.1 (MANE Select); coding-DNA position 8570, G replaced by A.
Protein change: p.Ser2857Asn; replaces serine 2857 with asparagine.
Molecular consequence: missense variant.
Genome position (GRCh38, 1-based): chr2:209,973,253, G>A. VCF-style: chr2-209973253-G-A. GRCh37 (hg19) VCF-style: chr2-210837977-G-A.
Other names: c.8372G>A, p.Ser2791Asn (NM_032504.2); c.8357G>A, p.Ser2786Asn (NM_182587.4); short protein forms S2786N, S2791N, S2857N.
Identifiers: ClinVar variation 2197964 (VCV002197964.1), dbSNP rs1319400928, ClinGen allele CA350413519.